The following is an entry in ClinVar:

ClinVar aggregate classification (germline): Uncertain significance (1 of 4 stars; one submission).

Conditions:
Ullrich congenital muscular dystrophy 2 (UCMD2). Identifiers: Orphanet 75840, MedGen C4225314, MONDO:0014654, OMIM 616470.
Bethlem myopathy 2 (BTHLM2). Identifiers: Orphanet 536516, Orphanet 610, MedGen C4225313, MONDO:0034022, OMIM 616471.

Submission:

Labcorp Genetics (formerly Invitae), Labcorp
Classification: Uncertain significance for Bethlem myopathy 2; Ullrich congenital muscular dystrophy 2. Last evaluated: 2024-12-23. Review status: criteria provided, single submitter. Criteria: Invitae Variant Classification Sherloc (09022015). Collection method: clinical testing. Allele origin: germline.
Comment: This sequence change replaces aspartic acid, which is acidic and polar, with glycine, which is neutral and non-polar, at codon 280 of the COL12A1 protein (p.Asp280Gly). This variant is not present in population databases (gnomAD no frequency). This variant has not been reported in the literature in individuals affected with COL12A1-related conditions. ClinVar contains an entry for this variant (Variation ID: 2048135). Invitae Evidence Modeling of protein sequence and biophysical properties (such as structural, functional, and spatial information, amino acid conservation, physicochemical variation, residue mobility, and thermodynamic stability) has been performed for this missense variant. However, the output from this modeling did not meet the statistical confidence thresholds required to predict the impact of this variant on COL12A1 protein function. In summary, the available evidence is currently insufficient to determine the role of this variant in disease. Therefore, it has been classified as a Variant of Uncertain Significance.

NM_004370.6(COL12A1):c.839A>G (p.Asp280Gly)

Gene: COL12A1 (collagen type XII alpha 1 chain; minus strand). Cytogenetic location: 6q13.
Variant type: single nucleotide variant.
Coding change: c.839A>G on transcript NM_004370.6 (MANE Select); coding-DNA position 839, A replaced by G.
Protein change: p.Asp280Gly; replaces aspartic acid 280 with glycine.
Molecular consequence: missense variant. On other transcripts: intron variant (1).
Genome position (GRCh38, 1-based): chr6:75,188,520, T>C on the plus strand (A>G on the coding strand, the complement: COL12A1 is on the minus strand). VCF-style: chr6-75188520-T-C. GRCh37 (hg19) VCF-style: chr6-75898236-T-C.
Other names: c.73+14200A>G (NM_080645.3); short protein forms D280G.
Identifiers: ClinVar variation 2048135 (VCV002048135.4), dbSNP rs2533596863, ClinGen allele CA364727731.